The following is an entry in ClinVar:

ClinVar aggregate classification (germline): Pathogenic/Likely pathogenic. Review status: criteria provided, multiple submitters, no conflicts (2 of 4 stars). 2 submissions from 2 submitters: Pathogenic (1); Likely pathogenic (1). Last evaluated 2025-12-01.

Conditions:
Developmental and epileptic encephalopathy. Identifiers: MedGen C5779964, MONDO:0100620.

Submissions (2):

CeGaT Center for Human Genetics Tuebingen
Classification: Likely pathogenic. Last evaluated: 2025-12-01. Review status: criteria provided, single submitter. Criteria: CeGaT Center For Human Genetics Tuebingen Variant Classification Criteria Version 2. Collection method: clinical testing. Allele origin: germline. Affected: yes. Observed: 1 variant allele.
Comment: SCN1A: PM2, PP2, PP3, PS2:Supporting, PS4:Supporting

Labcorp Genetics (formerly Invitae), Labcorp
Classification: Pathogenic for Early-infantile DEE. Last evaluated: 2021-09-01. Review status: criteria provided, single submitter. Criteria: Invitae Variant Classification Sherloc (09022015). Collection method: clinical testing. Allele origin: germline.

NM_001165963.4(SCN1A):c.4976T>C (p.Leu1659Pro)

Genes: SCN1A (sodium voltage-gated channel alpha subunit 1; minus strand), LOC102724058 (uncharacterized LOC102724058; plus strand). Cytogenetic location: 2q24.3.
Variant type: single nucleotide variant.
Coding change: c.4976T>C on transcript NM_001165963.4 (MANE Select); coding-DNA position 4976, T replaced by C.
Protein change: p.Leu1659Pro; replaces leucine 1659 with proline.
Molecular consequence: missense variant. On other transcripts: non-coding transcript variant (1).
Genome position (GRCh38, 1-based): chr2:165,992,299, A>G on the plus strand (T>C on the coding strand, the complement: SCN1A is on the minus strand). VCF-style: chr2-165992299-A-G. GRCh37 (hg19) VCF-style: chr2-166848809-A-G.
Other names: c.4892T>C, p.Leu1631Pro (NM_001165964.3, NM_001353957.2, NM_001353958.2); c.4976T>C, p.Leu1659Pro (NM_001202435.3, NM_001353948.2); c.4943T>C, p.Leu1648Pro (NM_001353949.2, NM_001353950.2, NM_001353951.2 and 2 more transcripts); c.4940T>C, p.Leu1647Pro (NM_001353954.2, NM_001353955.2); c.4889T>C, p.Leu1630Pro (NM_001353960.2); c.2534T>C, p.Leu845Pro (NM_001353961.2); short protein forms L1648P, L1659P, L1647P, L1631P, L1630P, L845P.
Identifiers: ClinVar variation 573704 (VCV000573704.12), dbSNP rs1559105368, ClinGen allele CA349069915.